The following is an entry in ClinVar:

ClinVar aggregate classification (germline): Pathogenic. Review status: criteria provided, multiple submitters, no conflicts (2 of 4 stars). 3 submissions from 3 submitters: Pathogenic (3). Last evaluated 2025-03-20.

Conditions:
MEN1-related disorder. Also called: MEN1-related condition.
Hereditary cancer-predisposing syndrome. Also called: Neoplastic Syndromes, Hereditary; Hereditary Cancer Syndrome; Tumor predisposition; Hereditary neoplastic syndrome. Identifiers: Orphanet 140162, MedGen C0027672, MeSH D009386, MONDO:0015356.
Multiple endocrine neoplasia, type 1 (MEN1). Also called: MEN I; WERMER SYNDROME; Endocrine adenomatosis multiple; MEN 1; MEA I. Identifiers: Orphanet 652, MedGen C0025267, MeSH D018761, MONDO:0007540, OMIM 131100.

Submissions (3):

Ambry Genetics
Classification: Pathogenic for Hereditary cancer-predisposing syndrome. Last evaluated: 2025-03-20. Review status: criteria provided, single submitter. Criteria: Ambry Variant Classification Scheme 2023. Collection method: clinical testing. Allele origin: germline.
Comment: The p.R29* pathogenic mutation (also known as c.85C>T), located in coding exon 1 of the MEN1 gene, results from a C to T substitution at nucleotide position 85. This changes the amino acid from an arginine to a premature termination codon. This mutation, also known in the literature as c.195C>T, has been reported in multiple individuals with MEN1 (Sato M et al. J Med Genet. 1998 Nov;35(11):915-9; Klein RD et al. Genet. Med. 2005 Feb; 7(2):131-8; Khoo J et al. Exp. Clin. Endocrinol. Diabetes. 2012 May; 120(5):257-60). This variant is considered to be rare based on population cohorts in the Genome Aggregation Database (gnomAD). In addition to the clinical data presented in the literature, this alteration is expected to result in loss of function by premature protein truncation or nonsense-mediated mRNA decay. As such, this alteration is interpreted as a disease-causing mutation.

Labcorp Genetics (formerly Invitae), Labcorp
Classification: Pathogenic for Multiple endocrine neoplasia, type 1. Last evaluated: 2024-10-22. Review status: criteria provided, single submitter. Criteria: Invitae Variant Classification Sherloc (09022015). Collection method: clinical testing. Allele origin: germline.
Comment: This sequence change creates a premature translational stop signal (p.Arg29*) in the MEN1 gene. It is expected to result in an absent or disrupted protein product. Loss-of-function variants in MEN1 are known to be pathogenic (PMID: 12112656, 17853334). This variant is not present in population databases (gnomAD no frequency). This premature translational stop signal has been observed in individual(s) with multiple endocrine neoplasia type 1 (PMID: 9832038, 10395246, 22549346, 24997771). It has also been observed to segregate with disease in related individuals. ClinVar contains an entry for this variant (Variation ID: 200970). For these reasons, this variant has been classified as Pathogenic.

Blueprint Genetics
Classification: Pathogenic for MEN1-related disorders. Last evaluated: 2020-12-17. Review status: criteria provided, single submitter. Criteria: ACMG Guidelines, 2015. Collection method: clinical testing. Allele origin: germline. Affected: yes. Observed: 2 variant alleles.

Literature cited by the submitters: PubMed 15714081 (cited by Ambry Genetics); PubMed 22549346 (cited by Ambry Genetics and Labcorp Genetics (formerly Invitae), Labcorp); PubMed 12112656 (cited by Labcorp Genetics (formerly Invitae), Labcorp); PubMed 17853334 (cited by Labcorp Genetics (formerly Invitae), Labcorp); PubMed 9832038 (cited by Labcorp Genetics (formerly Invitae), Labcorp); PubMed 10395246 (cited by Labcorp Genetics (formerly Invitae), Labcorp); PubMed 24997771 (cited by Labcorp Genetics (formerly Invitae), Labcorp).

NM_001370259.2(MEN1):c.85C>T (p.Arg29Ter)

Gene: MEN1 (menin 1; minus strand). Cytogenetic location: 11q13.1.
Variant type: single nucleotide variant.
Coding change: c.85C>T on transcript NM_001370259.2 (MANE Select); coding-DNA position 85, C replaced by T.
Protein change: p.Arg29Ter; replaces arginine 29 with a stop codon.
Molecular consequence: nonsense.
Genome position (GRCh38, 1-based): chr11:64,810,025, G>A on the plus strand (C>T on the coding strand, the complement: MEN1 is on the minus strand). VCF-style: chr11-64810025-G-A. GRCh37 (hg19) VCF-style: chr11-64577497-G-A.
Other names: c.85C>T, p.Arg29Ter (NM_000244.4, NM_001370251.2, NM_001370260.2 and 9 more transcripts); short protein forms R29*.
Identifiers: ClinVar variation 200970 (VCV000200970.18), dbSNP rs794728615, ClinGen allele CA009645.